The following is an entry in ClinVar:

NM_020738.4(KIDINS220):c.940A>C (p.Asn314His)

Gene: KIDINS220 (kinase D interacting substrate 220; minus strand). Cytogenetic location: 2p25.1.
Variant type: single nucleotide variant.
Coding change: c.940A>C on transcript NM_020738.4 (MANE Select); coding-DNA position 940, A replaced by C.
Protein change: p.Asn314His; replaces asparagine 314 with histidine.
Molecular consequence: missense variant. On other transcripts: non-coding transcript variant (2).
Genome position (GRCh38, 1-based): chr2:8,798,261, T>G on the plus strand (A>C on the coding strand, the complement: KIDINS220 is on the minus strand). VCF-style: chr2-8798261-T-G. GRCh37 (hg19) VCF-style: chr2-8938391-T-G.
Other names: c.943A>C, p.Asn315His (NM_001348729.2, NM_001348731.2, NM_001348734.2 and 3 more transcripts); c.940A>C, p.Asn314His (NM_001348732.2, NM_001348735.2, NM_001348738.2 and 3 more transcripts); c.814A>C, p.Asn272His (NM_001348736.2); short protein forms N272H, N314H, N315H.
Identifiers: ClinVar variation 3349896 (VCV003349896.1).
Genomic context (GRCh38, chr2:8,798,261, plus strand): 5'-CCTTTGTGCATATTTCAGTGTCAGGATTGCACTGTAAGATATCTCTCACCATTGTTGCAT[T>G]TCCTTTCTCAACAGCCCAATACAAAGCAGTTTTATTATCCTAGATAATTAAAAAAAACAC-3'
Protein context (NP_065789.1, residues 304-324): TALYWAVEKG[Asn314His]ATMVRDILQC

ClinVar aggregate classification (germline): Uncertain significance (0 of 4 stars; one submission).

Conditions:
KIDINS220-related disorder. Also called: KIDINS220-related condition.

Submission:

PreventionGenetics, part of Exact Sciences
Classification: Uncertain significance for KIDINS220-related condition. Last evaluated: 2024-02-09. Review status: no assertion criteria provided. Collection method: clinical testing. Allele origin: germline.
Comment: The KIDINS220 c.940A>C variant is predicted to result in the amino acid substitution p.Asn314His. To our knowledge, this variant has not been reported in the literature or in a large population database, indicating this variant is rare. At this time, the clinical significance of this variant is uncertain due to the absence of conclusive functional and genetic evidence.